The following is an entry in ClinVar:

ClinVar aggregate classification (germline): Conflicting classifications of pathogenicity. Review status: criteria provided, conflicting classifications (1 of 4 stars). 2 submissions from 2 submitters: Uncertain significance (1); Likely benign (1). Last evaluated 2025-08-11.

Conditions:
CHARGE syndrome (CHARGE). Also called: Coloboma, heart anomaly, choanal atresia, retardation, genital and ear anomalies; CHARGE association; Hall-Hittner syndrome; Hittner Hirsch Kreh syndrome; CHARGE ASSOCIATION--COLOBOMA, HEART ANOMALY, CHOANAL ATRESIA, RETARDATION, GENITAL AND EAR ANOMALIES. Identifiers: Orphanet 138, MedGen C0265354, MONDO:0008965.

Allele frequency attached by ClinVar (database versions not stated): gnomAD exomes below 0.00001.
gnomAD v4.1: 3 of 1,610,380 alleles (0.00019%); highest among the groups gnomAD compares: Non-Finnish European, 0.00025%; no homozygotes.

Submissions (2):

Labcorp Genetics (formerly Invitae), Labcorp
Classification: Likely benign for CHARGE syndrome. Last evaluated: 2025-08-11. Review status: criteria provided, single submitter. Criteria: Invitae Variant Classification Sherloc (09022015). Collection method: clinical testing. Allele origin: germline.

GeneDx
Classification: Uncertain significance. Last evaluated: 2023-07-11. Review status: criteria provided, single submitter. Criteria: GeneDx Variant Classification Process June 2021. Collection method: clinical testing. Allele origin: germline. Affected: yes.
Comment: Not observed at significant frequency in large population cohorts (gnomAD); In silico analysis supports that this missense variant does not alter protein structure/function; Has not been previously published as pathogenic or benign to our knowledge

NM_017780.4(CHD7):c.1802A>G (p.Lys601Arg)

Genes: CHD7 (chromodomain helicase DNA binding protein 7; plus strand), LOC126860403 (CDK7 strongly-dependent group 2 enhancer GRCh37_chr8:61693034-61694233; plus strand). Cytogenetic location: 8q12.2.
Variant type: single nucleotide variant.
Coding change: c.1802A>G on transcript NM_017780.4 (MANE Select); coding-DNA position 1802, A replaced by G.
Protein change: p.Lys601Arg; replaces lysine 601 with arginine.
Molecular consequence: missense variant. On other transcripts: intron variant (1).
Genome position (GRCh38, 1-based): chr8:60,781,136, A>G. VCF-style: chr8-60781136-A-G. GRCh37 (hg19) VCF-style: chr8-61693695-A-G.
Other names: c.1716+86A>G (NM_001316690.1); c.1802A>G (NM_017780.2); short protein forms K601R.
Identifiers: ClinVar variation 654041 (VCV000654041.13), dbSNP rs1467028739, ClinGen allele CA371312109.
Genomic context (GRCh38, chr8:60,781,136, plus strand): 5'-TGAAGAGTGATGATTACCTGCCATCAATAGAACAGCAGCCACAACAAAAGAAGAAGAAAA[A>G]GAAAAACAACCACATTGTAGCAGAGGATCCCAGTAAAGGTTTTGGTAAAGATGACTTCCC-3'
Protein context (NP_060250.2, residues 591-611): EQQPQQKKKK[Lys601Arg]KNNHIVAEDP